The following is an entry in ClinVar:

ClinVar aggregate classification (germline): Benign. Review status: criteria provided, multiple submitters, no conflicts (2 of 4 stars). 4 submissions from 4 submitters: Benign (4). Last evaluated 2026-02-04.

Conditions:
Spastic paraplegia. Identifiers: MedGen C0037772, HP:0001258.

Allele frequency attached by ClinVar (database versions not stated): ESP Exome Variant Server 0.23128; gnomAD exomes 0.23525; 1000 Genomes Project 0.25200; 1000 Genomes Project 30x 0.26171; gnomAD 0.26698 and 0.27238; TOPMed 0.27394; ExAC 0.37405.
gnomAD v4.1: 340,617 of 1,446,478 alleles (24%); highest among the groups gnomAD compares: African/African-American, 37%; 41,624 homozygotes.

Submissions (4):

Labcorp Genetics (formerly Invitae), Labcorp
Classification: Benign for Spastic paraplegia. Last evaluated: 2026-02-04. Review status: criteria provided, single submitter. Criteria: Invitae Variant Classification Sherloc (09022015). Collection method: clinical testing. Allele origin: germline.

Mayo Clinic Laboratories, Mayo Clinic
Classification: Benign. Last evaluated: 2020-07-24. Review status: criteria provided, single submitter. Criteria: ACMG Guidelines, 2015. Collection method: clinical testing. Allele origin: germline. Observed: 697 variant alleles.

GeneDx
Classification: Benign. Last evaluated: 2016-02-08. Review status: criteria provided, single submitter. Criteria: GeneDx Variant Classification (06012015). Collection method: clinical testing. Allele origin: germline. Affected: yes.
Comment: This variant is considered likely benign or benign based on one or more of the following criteria: it is a conservative change, it occurs at a poorly conserved position in the protein, it is predicted to be benign by multiple in silico algorithms, and/or has population frequency not consistent with disease.

Breakthrough Genomics
Classification: Benign. Review status: criteria provided, single submitter. Criteria: ACMG Guidelines, 2015. Collection method: not provided. Allele origin: germline. Inheritance: Autosomal recessive inheritance. Affected: yes.

NM_001478.5(B4GALNT1):c.103C>G (p.Leu35Val)

Gene: B4GALNT1 (beta-1,4-N-acetyl-galactosaminyltransferase 1; minus strand). Cytogenetic location: 12q13.3.
Variant type: single nucleotide variant.
Coding change: c.103C>G on transcript NM_001478.5 (MANE Select); coding-DNA position 103, C replaced by G.
Protein change: p.Leu35Val; replaces leucine 35 with valine.
Molecular consequence: missense variant.
Genome position (GRCh38, 1-based): chr12:57,632,030, G>C on the plus strand (C>G on the coding strand, the complement: B4GALNT1 is on the minus strand). VCF-style: chr12-57632030-G-C. GRCh37 (hg19) VCF-style: chr12-58025813-G-C.
Other names: p.Leu35Val; c.103C>G, p.Leu35Val (NM_001276468.2, NM_001276469.2); short protein forms L35V.
Identifiers: ClinVar variation 380769 (VCV000380769.12), dbSNP rs774896, ClinGen allele CA6655872.
Genomic context (GRCh38, chr12:57,632,030, plus strand): 5'-CAAGATCTGGCAGCTCGGGCCTGCGGGGGCTTTGCGGGGGCGCCCACGGCGCAAGAGGTA[G>C]CCGGAGGCCGGGCGCGTCCCGGGTGCTCGCGTACAGGAGCCCCAGCGAGGCGCAGGCGAG-3'
Protein context (NP_001469.1, residues 25-45): ASTRDAPGLR[Leu35Val]PLAPWAPPQS